The following is an entry in ClinVar:

NM_025216.3(WNT10A):c.697G>T (p.Glu233Ter)

Gene: WNT10A (Wnt family member 10A; plus strand). Cytogenetic location: 2q35.
Variant type: single nucleotide variant.
Coding change: c.697G>T on transcript NM_025216.3 (MANE Select); coding-DNA position 697, G replaced by T.
Protein change: p.Glu233Ter; replaces glutamic acid 233 with a stop codon.
Molecular consequence: nonsense.
Genome position (GRCh38, 1-based): chr2:218,890,304, G>T. VCF-style: chr2-218890304-G-T. GRCh37 (hg19) VCF-style: chr2-219755026-G-T.
Other names: short protein forms E233*.
Identifiers: ClinVar variation 4460 (VCV000004460.9), dbSNP rs121908118, ClinGen allele CA116863.

ClinVar aggregate classification (germline): Pathogenic. Review status: criteria provided, single submitter (1 of 4 stars). 2 submissions from 2 submitters: Pathogenic (1). 1 of the submissions does not count toward it. Last evaluated 2022-06-13.

Conditions:
Odonto-onycho-dermal dysplasia. Identifiers: Orphanet 2721, MedGen C0796093, MONDO:0009773, OMIM 257980.
Tooth agenesis, selective, 4 (STHAG4). Also called: LATERAL INCISORS, ABSENCE OF; LATERAL INCISORS, PEGGED OR MISSING; SUCCEDANEOUS TEETH, AGENESIS OF; TOOTH AGENESIS, SELECTIVE, 4, WITH OR WITHOUT ECTODERMAL DYSPLASIA. Identifiers: Orphanet 99798, MedGen C1835492, MONDO:0007881, OMIM 150400. Disease mechanism: loss of function.

Submissions (2):

Labcorp Genetics (formerly Invitae), Labcorp
Classification: Pathogenic for Tooth agenesis, selective, 4; Odonto-onycho-dermal dysplasia. Last evaluated: 2022-06-13. Review status: criteria provided, single submitter. Criteria: Invitae Variant Classification Sherloc (09022015). Collection method: clinical testing. Allele origin: germline.
Comment: This sequence change creates a premature translational stop signal (p.Glu233*) in the WNT10A gene. It is expected to result in an absent or disrupted protein product. Loss-of-function variants in WNT10A are known to be pathogenic (PMID: 17847007, 22581971, 25629078). This variant is not present in population databases (gnomAD no frequency). This premature translational stop signal has been observed in individual(s) with clinical features of autosomal recessive ectodermal dysplasia (PMID: 17847007, 28813618). ClinVar contains an entry for this variant (Variation ID: 4460). Algorithms developed to predict the effect of sequence changes on RNA splicing suggest that this variant may create or strengthen a splice site. For these reasons, this variant has been classified as Pathogenic.

OMIM
Classification: Pathogenic for ODONTOONYCHODERMAL DYSPLASIA. Last evaluated: 2007-10-01. Review status: no assertion criteria provided. Collection method: literature only. Allele origin: germline. Not counted in ClinVar's aggregate classification.

Literature cited by the submitters: PubMed 17847007 (cited by Labcorp Genetics (formerly Invitae), Labcorp and OMIM); PubMed 22581971 (cited by Labcorp Genetics (formerly Invitae), Labcorp); PubMed 25629078 (cited by Labcorp Genetics (formerly Invitae), Labcorp); PubMed 28813618 (cited by Labcorp Genetics (formerly Invitae), Labcorp).